The following is an entry in ClinVar:

NM_002890.3(RASA1):c.1887T>A (p.His629Gln)

Genes: CCNH (cyclin H; minus strand), RASA1 (RAS p21 protein activator 1; plus strand). Cytogenetic location: 5q14.3.
Variant type: single nucleotide variant.
Coding change: c.1887T>A on transcript NM_002890.3 (MANE Select); coding-DNA position 1887, T replaced by A.
Protein change: p.His629Gln; replaces histidine 629 with glutamine.
Molecular consequence: missense variant. On other transcripts: intron variant (1).
Genome position (GRCh38, 1-based): chr5:87,374,273, T>A. VCF-style: chr5-87374273-T-A. GRCh37 (hg19) VCF-style: chr5-86670090-T-A.
Other names: c.1356T>A, p.His452Gln (NM_022650.3); c.933+20771A>T (NM_001364075.2); short protein forms H629Q, H452Q.
Identifiers: ClinVar variation 4771537 (VCV004771537.1).
Genomic context (GRCh38, chr5:87,374,273, plus strand): 5'-ACATTTTACTAATCCATATTGTAACATCTACCTGAATAGTGTCCAAGTAGCAAAAACTCA[T>A]GCAAGGGAAGGGCAAAACCCAGTATGGTCAGAAGAGTTTGTCTTTGAGTAAGTCTTATTT-3'
Protein context (NP_002881.1, residues 619-639): YLNSVQVAKT[His629Gln]AREGQNPVWS

ClinVar aggregate classification (germline): Uncertain significance (1 of 4 stars; one submission).

Conditions:
Capillary malformation-arteriovenous malformation syndrome. Also called: Capillary malformation-arteriovenous malformation. Identifiers: Orphanet 137667, MedGen C1842180, MONDO:0012016.

Submission:

Labcorp Genetics (formerly Invitae), Labcorp
Classification: Uncertain significance for Capillary malformation-arteriovenous malformation syndrome. Last evaluated: 2025-06-09. Review status: criteria provided, single submitter. Criteria: Invitae Variant Classification Sherloc (09022015). Collection method: clinical testing. Allele origin: germline.
Comment: This sequence change replaces histidine, which is basic and polar, with glutamine, which is neutral and polar, at codon 629 of the RASA1 protein (p.His629Gln). This variant is not present in population databases (gnomAD no frequency). This variant has not been reported in the literature in individuals affected with RASA1-related conditions. An algorithm developed to predict the effect of missense changes on protein structure and function (PolyPhen-2) suggests that this variant is likely to be disruptive. In summary, the available evidence is currently insufficient to determine the role of this variant in disease. Therefore, it has been classified as a Variant of Uncertain Significance.